The following is an entry in ClinVar:

NM_000046.5(ARSB):c.1261G>T (p.Glu421Ter)

Gene: ARSB (arylsulfatase B; minus strand). Cytogenetic location: 5q14.1.
Variant type: single nucleotide variant.
Coding change: c.1261G>T on transcript NM_000046.5 (MANE Select); coding-DNA position 1261, G replaced by T.
Protein change: p.Glu421Ter; replaces glutamic acid 421 with a stop codon.
Molecular consequence: nonsense.
Genome position (GRCh38, 1-based): chr5:78,781,927, C>A on the plus strand (G>T on the coding strand, the complement: ARSB is on the minus strand). VCF-style: chr5-78781927-C-A. GRCh37 (hg19) VCF-style: chr5-78077750-C-A.
Other names: short protein forms E421*.
Identifiers: ClinVar variation 559694 (VCV000559694.1), dbSNP rs1554069793, ClinGen allele CA360340133.

ClinVar aggregate classification (germline): Pathogenic (1 of 4 stars; one submission).

Conditions:
Mucopolysaccharidosis type 6 (MPS6). Also called: N-ACETYLGALACTOSAMINE-4-SULFATASE DEFICIENCY; MPS VI; MPS 6; Maroteaux Lamy syndrome; ARSB DEFICIENCY; ARYLSULFATASE B DEFICIENCY. Identifiers: Orphanet 583, MedGen C0026709, MONDO:0009661, OMIM 253200.

Submission:

Laboratory of Diagnosis and Therapy of Lysosomal Disorders, University of Padova
Classification: Pathogenic for Mucopolysaccharidosis type 6. Last evaluated: 2018-01-01. Review status: criteria provided, single submitter. Criteria: ACMG Guidelines, 2015. Collection method: curation. Allele origin: germline. Affected: yes.
Comment: Missense variant (PVS1); In vitro functional studies supportive of a damaging effect on the gene product (low to no ARSB activity in homozygotes; PS3); Absent from GnomAD (PM2)

Literature cited by the submitters: PubMed 8752530; PubMed 30118150.